The following is an entry in ClinVar:

ClinVar aggregate classification (germline): Uncertain significance. Review status: criteria provided, multiple submitters, no conflicts (2 of 4 stars). 2 submissions from 2 submitters: Uncertain significance (2). Last evaluated 2025-12-19.

Submissions (2):

Labcorp Genetics (formerly Invitae), Labcorp
Classification: Uncertain significance. Last evaluated: 2025-12-19. Review status: criteria provided, single submitter. Criteria: Invitae Variant Classification Sherloc (09022015). Collection method: clinical testing. Allele origin: germline.
Comment: This sequence change replaces arginine, which is basic and polar, with tryptophan, which is neutral and slightly polar, at codon 102 of the HTRA1 protein (p.Arg102Trp). This variant is not present in population databases (gnomAD no frequency). This variant has not been reported in the literature in individuals affected with HTRA1-related conditions. Invitae Evidence Modeling of protein sequence and biophysical properties (such as structural, functional, and spatial information, amino acid conservation, physicochemical variation, residue mobility, and thermodynamic stability) has been performed for this missense variant. However, the output from this modeling did not meet the statistical confidence thresholds required to predict the impact of this variant on HTRA1 protein function. In summary, the available evidence is currently insufficient to determine the role of this variant in disease. Therefore, it has been classified as a Variant of Uncertain Significance.

Blueprint Genetics
Classification: Uncertain significance. Last evaluated: 2021-05-14. Review status: criteria provided, single submitter. Criteria: ACMG Guidelines, 2015. Collection method: clinical testing. Allele origin: germline.

NM_002775.5(HTRA1):c.304C>T (p.Arg102Trp)

Gene: HTRA1 (HtrA serine peptidase 1; plus strand). Cytogenetic location: 10q26.13.
Variant type: single nucleotide variant.
Coding change: c.304C>T on transcript NM_002775.5 (MANE Select); coding-DNA position 304, C replaced by T.
Protein change: p.Arg102Trp; replaces arginine 102 with tryptophan.
Molecular consequence: missense variant.
Genome position (GRCh38, 1-based): chr10:122,461,956, C>T. VCF-style: chr10-122461956-C-T. GRCh37 (hg19) VCF-style: chr10-124221472-C-T.
Other names: short protein forms R102W.
Identifiers: ClinVar variation 4696483 (VCV004696483.2).